The following is an entry in ClinVar:

NM_001379286.1(ZNF423):c.630C>T (p.Ala210=)

Gene: ZNF423 (zinc finger protein 423; minus strand). Cytogenetic location: 16q12.1.
Variant type: single nucleotide variant.
Coding change: c.630C>T on transcript NM_001379286.1 (MANE Select); coding-DNA position 630, C replaced by T.
Protein change: p.Ala210=; no amino-acid change (alanine 210 retained).
Molecular consequence: synonymous variant.
Genome position (GRCh38, 1-based): chr16:49,638,546, G>A on the plus strand (C>T on the coding strand, the complement: ZNF423 is on the minus strand). VCF-style: chr16-49638546-G-A. GRCh37 (hg19) VCF-style: chr16-49672457-G-A.
Other names: c.426C>T, p.Ala142= (NM_001271620.2); c.255C>T, p.Ala85= (NM_001330533.2); c.606C>T, p.Ala202= (NM_015069.5).
Identifiers: ClinVar variation 707449 (VCV000707449.16), dbSNP rs186529267, ClinGen allele CA8046849.

ClinVar aggregate classification (germline): Benign/Likely benign. Review status: criteria provided, multiple submitters, no conflicts (2 of 4 stars). 3 submissions from 3 submitters: Benign (1); Likely benign (2). Last evaluated 2026-09-01.

Conditions:
Nephronophthisis 14 (NPHP14). Identifiers: Orphanet 2318, MedGen C3539071, MONDO:0013916, OMIM 614844.

Allele frequency attached by ClinVar (database versions not stated): 1000 Genomes Project 0.00020; gnomAD 0.00027 and 0.00029; 1000 Genomes Project 30x 0.00031; TOPMed 0.00039; ExAC 0.00094.
gnomAD v4.1: 436 of 1,613,708 alleles (0.027%); highest among the groups gnomAD compares: Admixed American, 0.71%; 1 homozygote.

Submissions (3):

CeGaT Center for Human Genetics Tuebingen
Classification: Likely benign. Last evaluated: 2026-09-01. Review status: criteria provided, single submitter. Criteria: CeGaT Center For Human Genetics Tuebingen Variant Classification Criteria Version 2. Collection method: clinical testing. Allele origin: germline. Affected: yes. Observed: 5 variant alleles.
Comment: ZNF423: BP4, BP7

Labcorp Genetics (formerly Invitae), Labcorp
Classification: Benign for Nephronophthisis 14. Last evaluated: 2026-02-01. Review status: criteria provided, single submitter. Criteria: Invitae Variant Classification Sherloc (09022015). Collection method: clinical testing. Allele origin: germline.

Blueprint Genetics
Classification: Likely benign. Last evaluated: 2024-10-18. Review status: criteria provided, single submitter. Criteria: ACMG Guidelines, 2015. Collection method: clinical testing. Allele origin: germline.